The following is an entry in ClinVar:

ClinVar aggregate classification (germline): Pathogenic/Likely pathogenic. Review status: criteria provided, multiple submitters, no conflicts (2 of 4 stars). 2 submissions from 2 submitters: Pathogenic (1); Likely pathogenic (1). Last evaluated 2025-11-10.

Conditions:
Retinitis pigmentosa 28 (RP28). Identifiers: Orphanet 791, MedGen C1419614, MONDO:0011630, OMIM 606068.

Submissions (2):

Natera, Inc.
Classification: Likely pathogenic for Retinitis pigmentosa type 28. Last evaluated: 2025-11-10. Review status: criteria provided, single submitter. Criteria: Natera Variant Classification Schema (03/2026). Collection method: clinical testing. Allele origin: germline.
Comment: The c.1804_1805del variant in FAM161A is a frameshift variant predicted to shift the reading frame beginning at codon 602 and leads to a stop codon 11 codons downstream. This variant is expected to result in nonsense mediated decay, truncation, or a dysfunctional protein product. This variant is rare in the general population with a frequency below the threshold expected for the associated phenotype(s). Given the available evidence, this variant is classified as Likely Pathogenic.

Labcorp Genetics (formerly Invitae), Labcorp
Classification: Pathogenic. Last evaluated: 2023-08-17. Review status: criteria provided, single submitter. Criteria: Invitae Variant Classification Sherloc (09022015). Collection method: clinical testing. Allele origin: germline.
Comment: This variant has not been reported in the literature in individuals affected with FAM161A-related conditions. For these reasons, this variant has been classified as Pathogenic. This variant is not present in population databases (gnomAD no frequency). This sequence change creates a premature translational stop signal (p.Glu602Argfs*11) in the FAM161A gene. It is expected to result in an absent or disrupted protein product. Loss-of-function variants in FAM161A are known to be pathogenic (PMID: 20705278, 20705279, 24651477).

Literature cited by the submitters: PubMed 20705278 (cited by Labcorp Genetics (formerly Invitae), Labcorp); PubMed 20705279 (cited by Labcorp Genetics (formerly Invitae), Labcorp); PubMed 24651477 (cited by Labcorp Genetics (formerly Invitae), Labcorp).

NM_001201543.2(FAM161A):c.1804_1805del (p.Glu602fs)

Gene: FAM161A (FAM161 centrosomal protein A; minus strand). Cytogenetic location: 2p15.
Variant type: Microsatellite.
Coding change: c.1804_1805del on transcript NM_001201543.2 (MANE Select); coding-DNA positions 1804 to 1805, 2 bases deleted (GA; older notation c.1804_1805delGA).
Protein change: p.Glu602fs; shifts the reading frame from glutamic acid 602.
Molecular consequence: frameshift variant. On other transcripts: non-coding transcript variant (1).
Genome position (GRCh38, 1-based): chr2:61,836,056-61,836,057, TC deleted on the plus strand (GA on the coding strand, the reverse complement: FAM161A is on the minus strand); deleting any 2 consecutive bases within chr2:61,836,056-61,836,060 gives the same sequence; the c. name uses the placement nearest the transcript's 3' end. VCF-style (leftmost placement, unchanged base first): chr2-61836055-TTC-T. GRCh37 (hg19) VCF-style: chr2-62063190-TTC-T.
Other names: c.1804_1805del (NM_001201543.1); c.1636_1637del, p.Glu546fs (NM_032180.3); short protein forms E546fs, E602fs.
Identifiers: ClinVar variation 2753358 (VCV002753358.4), dbSNP rs2466009720, ClinGen allele CA2697548196.